The following is an entry in ClinVar:

ClinVar aggregate classification (germline): Pathogenic (1 of 4 stars; one submission).

Conditions:
Familial thoracic aortic aneurysm and aortic dissection (TAAD). Also called: Thoracic aortic aneurysms and dissections. Identifiers: Orphanet 91387, MedGen C4707243, MONDO:0019625.
Marfan syndrome (MFS). Also called: FBN1-Related Marfan Syndrome; Marfan syndrome type 1; Marfan's syndrome; Marfan syndrome, classic; MARFAN SYNDROME, TYPE I. Identifiers: Orphanet 284963, Orphanet 558, MedGen C0024796, MONDO:0007947, OMIM 154700.

Submission:

Labcorp Genetics (formerly Invitae), Labcorp
Classification: Pathogenic for Marfan syndrome; Familial thoracic aortic aneurysm and aortic dissection. Last evaluated: 2018-12-12. Review status: criteria provided, single submitter. Criteria: Invitae Variant Classification Sherloc (09022015). Collection method: clinical testing. Allele origin: germline.
Comment: This sequence change creates a premature translational stop signal (p.His2374Glyfs*4) in the FBN1 gene. It is expected to result in an absent or disrupted protein product. This variant is not present in population databases (ExAC no frequency). This variant has not been reported in the literature in individuals with FBN1-related conditions. Loss-of-function variants in FBN1 are known to be pathogenic (PMID: 17657824, 19293843). For these reasons, this variant has been classified as Pathogenic.

Literature cited by the submitters: PubMed 17657824; PubMed 19293843.

NM_000138.5(FBN1):c.7119_7120insGGAC (p.His2374fs)

Gene: FBN1 (fibrillin 1; minus strand). Cytogenetic location: 15q21.1.
Variant type: Insertion.
Coding change: c.7119_7120insGGAC on transcript NM_000138.5 (MANE Select); coding-DNA positions 7119 to 7120, GGAC inserted.
Protein change: p.His2374fs; shifts the reading frame from histidine 2374.
Molecular consequence: frameshift variant.
Genome position: GRCh38 VCF-style: chr15-48427651-G-GGTCC. GRCh37 (hg19) VCF-style: chr15-48719848-G-GGTCC.
Other names: short protein forms H2374fs.
Identifiers: ClinVar variation 655877 (VCV000655877.6), dbSNP rs1597517858, ClinGen allele CA915946633.